The following is an entry in ClinVar:

ClinVar aggregate classification (germline): Likely benign. Review status: criteria provided, multiple submitters, no conflicts (2 of 4 stars). 6 submissions from 6 submitters: Likely benign (6). Last evaluated 2026-01-24.

Conditions:
DSP-related disorder. Also called: DSP-related disorders; DSP-related condition.
Cardiovascular phenotype. Identifiers: MedGen CN230736.
Arrhythmogenic cardiomyopathy with wooly hair and keratoderma. Also called: PALMOPLANTAR KERATODERMA WITH LEFT VENTRICULAR CARDIOMYOPATHY AND WOOLLY HAIR; Carvajal syndrome; Arrhythmogenic cardiomyopathy with woolly hair and keratoderma; Dilated cardiomyopathy with woolly hair and keratoderma. Identifiers: Orphanet 65282, MedGen C1854063, MONDO:0011581, OMIM 605676.
Arrhythmogenic right ventricular dysplasia 8 (ARVD8). Also called: ARRHYTHMOGENIC RIGHT VENTRICULAR DYSPLASIA, FAMILIAL, 8; ARRHYTHMOGENIC RIGHT VENTRICULAR CARDIOMYOPATHY 8; Arrhythmogenic Right Ventricular Dysplasia/Cardiomyopathy 8. Identifiers: MedGen C1843896, MONDO:0011831, OMIM 607450.
Cardiomyopathy (CMYO). Also called: Cardiomyopathies. Identifiers: Orphanet 167848, MedGen C0878544, MONDO:0004994, HP:0001638. Inheritance: Various modes of inheritance.

Allele frequency attached by ClinVar (database versions not stated): gnomAD exomes below 0.00001; gnomAD 0.00003 and 0.00004; TOPMed 0.00003.

Submissions (6):

Labcorp Genetics (formerly Invitae), Labcorp
Classification: Likely benign for Arrhythmogenic cardiomyopathy with wooly hair and keratoderma; Arrhythmogenic right ventricular dysplasia 8. Last evaluated: 2026-01-24. Review status: criteria provided, single submitter. Criteria: Invitae Variant Classification Sherloc (09022015). Collection method: clinical testing. Allele origin: germline.

PreventionGenetics, part of Exact Sciences
Classification: Likely benign for DSP-related condition. Last evaluated: 2025-05-14. Review status: criteria provided, single submitter. Criteria: ACMG Guidelines, 2015. Collection method: clinical testing. Allele origin: germline.
Comment: This variant is classified as likely benign based on ACMG/AMP sequence variant interpretation guidelines (Richards et al. 2015 PMID: 25741868, with internal and published modifications).

All of Us Research Program, National Institutes of Health
Classification: Likely benign for Arrhythmogenic cardiomyopathy with wooly hair and keratoderma. Last evaluated: 2023-12-13. Review status: criteria provided, single submitter. Criteria: ACMG Guidelines, 2015. Collection method: clinical testing. Allele origin: germline. Inheritance: Autosomal dominant inheritance. Observed: 6 variant alleles, 6 heterozygotes.
Comment: This study involves interpretation of variants in research participants for the purpose of population health screening. Participant phenotype was not available at the time of variant classification. Additional details can be found in publication PMID: 35346344, PMCID: PMC8962531

GeneDx
Classification: Likely benign. Last evaluated: 2021-09-24. Review status: criteria provided, single submitter. Criteria: GeneDx Variant Classification Process June 2021. Collection method: clinical testing. Allele origin: germline. Affected: yes.

Color Diagnostics, LLC DBA Color Health
Classification: Likely benign for Cardiomyopathy. Last evaluated: 2019-09-09. Review status: criteria provided, single submitter. Criteria: ACMG Guidelines, 2015. Collection method: clinical testing. Allele origin: germline.

Ambry Genetics
Classification: Likely benign for Cardiovascular phenotype. Last evaluated: 2018-06-25. Review status: criteria provided, single submitter. Criteria: Ambry Variant Classification Scheme 2023. Collection method: clinical testing. Allele origin: germline.

NM_004415.4(DSP):c.8229G>A (p.Gly2743=)

Gene: DSP (desmoplakin; plus strand). Cytogenetic location: 6p24.3.
Variant type: single nucleotide variant.
Coding change: c.8229G>A on transcript NM_004415.4 (MANE Select); coding-DNA position 8229, G replaced by A.
Protein change: p.Gly2743=; no amino-acid change (glycine 2743 retained).
Molecular consequence: synonymous variant.
Genome position (GRCh38, 1-based): chr6:7,585,491, G>A. VCF-style: chr6-7585491-G-A. GRCh37 (hg19) VCF-style: chr6-7585724-G-A.
Other names: c.8229G>A (LRG_423t1, NM_004415.3); c.6432G>A, p.Gly2144= (NM_001008844.3); c.6900G>A, p.Gly2300= (NM_001319034.2).
Identifiers: ClinVar variation 413261 (VCV000413261.16), dbSNP rs1060503979, ClinGen allele CA16612206.